The following is an entry in ClinVar:

ClinVar aggregate classification (germline): Pathogenic (1 of 4 stars; one submission).

Conditions:
CEP290-related ciliopathy. Also called: CEP290 ciliopathy. Identifiers: MedGen CN305601, MONDO:0100451.

Submission:

Myriad Genetics, Inc.
Classification: Pathogenic for CEP290-related ciliopathy. Last evaluated: 2026-06-16. Review status: criteria provided, single submitter. Criteria: Myriad Autosomal Dominant, Autosomal Recessive and X-Linked Classification Criteria (2023). Collection method: clinical testing. Allele origin: unknown.
Comment: NM_025114.3(CEP290):c.5494delG(A1832Pfs*19) is a frameshift variant classified as pathogenic in the context of CEP290-related disorders. A1832Pfs*19 has been observed in a case with relevant disease (PMID: 3918999). Relevant functional assessments of this variant are not available in the literature. A1832Pfs*19 has not been observed in referenced population frequency databases. In summary, NM_025114.3(CEP290):c.5494delG(A1832Pfs*19) is a frameshift variant in a gene where loss of function is a known mechanism of disease, is predicted to disrupt protein function, and has been observed more frequently in cases with the relevant disease than in healthy populations. Please note: this variant was assessed in the context of healthy population screening.

Literature cited by the submitters: PubMed 3918999.

NM_025114.4(CEP290):c.5494del (p.Ala1832fs)

Gene: CEP290 (centrosomal protein 290; minus strand). Cytogenetic location: 12q21.32.
Variant type: Deletion.
Coding change: c.5494del on transcript NM_025114.4 (MANE Select); coding-DNA position 5494, one base deleted (G; older notation c.5494delG).
Protein change: p.Ala1832fs; shifts the reading frame from alanine 1832.
Molecular consequence: frameshift variant.
Genome position (GRCh38, 1-based): chr12:88,077,789, C deleted on the plus strand (G on the coding strand, the reverse complement: CEP290 is on the minus strand). VCF-style (leftmost placement, unchanged base first): chr12-88077788-GC-G. GRCh37 (hg19) VCF-style: chr12-88471565-GC-G.
Other names: short protein forms A1832fs.
Identifiers: ClinVar variation 5003910 (VCV005003910.1).